The following is an entry in ClinVar:

NM_001366145.2(TRPM3):c.1025A>G (p.Asn342Ser)

Gene: TRPM3 (transient receptor potential cation channel subfamily M member 3; minus strand). Cytogenetic location: 9q21.12.
Variant type: single nucleotide variant.
Coding change: c.1025A>G on transcript NM_001366145.2 (MANE Select); coding-DNA position 1025, A replaced by G.
Protein change: p.Asn342Ser; replaces asparagine 342 with serine.
Molecular consequence: missense variant.
Genome position (GRCh38, 1-based): chr9:70,784,228, T>C on the plus strand (A>G on the coding strand, the complement: TRPM3 is on the minus strand). VCF-style: chr9-70784228-T-C. GRCh37 (hg19) VCF-style: chr9-73399144-T-C.
Other names: c.641A>G, p.Asn214Ser (NM_001007470.3, NM_206946.5, NM_206947.5); c.1025A>G, p.Asn342Ser (NM_001007471.4, NM_001366146.2, NM_001366149.2 and 3 more transcripts); c.1031A>G, p.Asn344Ser (NM_001366141.2, NM_001366142.2, NM_001366143.2 and 1 more transcripts); c.1100A>G, p.Asn367Ser (NM_001366147.2, NM_001366148.2, NM_001366152.2); c.566A>G, p.Asn189Ser (NM_001366154.2, NM_020952.6, NM_024971.7 and 3 more transcripts); short protein forms N189S, N214S, N342S, N344S, N367S.
Identifiers: ClinVar variation 3377169 (VCV003377169.1).

ClinVar aggregate classification (germline): Uncertain significance (1 of 4 stars; one submission).

Conditions:
Neurodevelopmental disorder with hypotonia, dysmorphic facies, and skeletal anomalies, with or without seizures (NEDFSS). Also called: TRPM3-Related Neurodevelopmental Disorder. Identifiers: MedGen C5830244, MONDO:0859365, OMIM 620224.

Submission:

Victorian Clinical Genetics Services, Murdoch Childrens Research Institute
Classification: Uncertain significance for Neurodevelopmental disorder with hypotonia, dysmorphic facies, and skeletal anomalies, with or without seizures. Last evaluated: 2024-10-10. Review status: criteria provided, single submitter. Criteria: ACMG Guidelines, 2015. Collection method: clinical testing. Allele origin: germline. Inheritance: Autosomal dominant inheritance. Affected: yes.
Comment: Based on the classification scheme VCGS_Germline_v1.3.5, this variant is classified as VUS-3B. Following criteria are met: 0101 - Gain of function is a known mechanism of disease in this gene and is associated with neurodevelopmental disorder with hypotonia, dysmorphic facies, and skeletal anomalies, with or without seizures (MIM# 620224). Missense variants have been functionally proven to increase basal function and intracellular calcium levels (PMID: 32427099). (I) 0107 - This gene is associated with autosomal dominant disease. (I) 0200 - Variant is predicted to result in a missense amino acid change from asparagine to serine. (I) 0251 - This variant is heterozygous. (I) 0301 - Variant is absent from gnomAD (v2, v3 and v4). (SP) 0502 - Missense variant with conflicting in silico predictions and uninformative conservation. (I) 0604 - Variant is not located in an established domain, motif, hotspot or informative constraint region. (I) 0705 - No comparable missense variants have previous evidence for pathogenicity. (I) 0807 - This variant has no previous evidence of pathogenicity. (I) 0905 - No published segregation evidence has been identified for this variant. (I) 1007 - No published functional evidence has been identified for this variant. (I) 1208 - Inheritance information for this variant is not currently available in this individual. (I) Legend: (SP) - Supporting pathogenic, (I) - Information, (SB) - Supporting benign

Literature cited by the submitters: PubMed 32427099.